The following is an entry in ClinVar:

ClinVar aggregate classification (germline): Benign/Likely benign. Review status: criteria provided, multiple submitters, no conflicts (2 of 4 stars). 3 submissions from 3 submitters: Benign (1); Likely benign (2). Last evaluated 2025-01-02.

Conditions:
Hereditary cancer-predisposing syndrome. Also called: Tumor predisposition; Hereditary Cancer Syndrome; Neoplastic Syndromes, Hereditary; Hereditary neoplastic syndrome. Identifiers: Orphanet 140162, MedGen C0027672, MeSH D009386, MONDO:0015356.
Hereditary nonpolyposis colorectal neoplasms. Identifiers: MedGen C0009405, MeSH D003123.
Lynch syndrome 5 (LYNCH5). Also called: Colorectal cancer, hereditary nonpolyposis, type 5; Hereditary non-polyposis colorectal cancer, type 5. Identifiers: Orphanet 144, MedGen C1833477, MONDO:0013710, OMIM 614350. Disease mechanism: loss of function.

Submissions (3):

Myriad Genetics, Inc.
Classification: Benign for Lynch syndrome 5. Last evaluated: 2025-01-02. Review status: criteria provided, single submitter. Criteria: Myriad Autosomal Dominant, Autosomal Recessive and X-Linked Classification Criteria (2023). Collection method: clinical testing. Allele origin: unknown.
Comment: This variant is considered benign. This variant is a silent/synonymous amino acid change and it is not expected to impact splicing.

Labcorp Genetics (formerly Invitae), Labcorp
Classification: Likely benign for Hereditary nonpolyposis colorectal neoplasms. Last evaluated: 2024-09-18. Review status: criteria provided, single submitter. Criteria: Invitae Variant Classification Sherloc (09022015). Collection method: clinical testing. Allele origin: germline.

Ambry Genetics
Classification: Likely benign for Hereditary cancer-predisposing syndrome. Last evaluated: 2018-10-26. Review status: criteria provided, single submitter. Criteria: Ambry Variant Classification Scheme 2023. Collection method: clinical testing. Allele origin: germline.

Literature cited by the submitters: PubMed 10537275 (cited by Ambry Genetics).

NM_000179.3(MSH6):c.2739T>C (p.Asp913=)

Gene: MSH6 (mutS homolog 6; plus strand). Cytogenetic location: 2p16.3.
Variant type: single nucleotide variant.
Coding change: c.2739T>C on transcript NM_000179.3 (MANE Select); coding-DNA position 2739, T replaced by C.
Protein change: p.Asp913=; no amino-acid change (aspartic acid 913 retained).
Molecular consequence: synonymous variant.
Genome position (GRCh38, 1-based): chr2:47,800,722, T>C. VCF-style: chr2-47800722-T-C. GRCh37 (hg19) VCF-style: chr2-48027861-T-C.
Other names: c.2349T>C, p.Asp783= (NM_001281492.2); c.1833T>C, p.Asp611= (NM_001281493.2, NM_001281494.2).
Identifiers: ClinVar variation 1795392 (VCV001795392.5), dbSNP rs63750056, ClinGen allele CA010823.